The following is an entry in ClinVar:

NM_000059.4(BRCA2):c.8771A>G (p.Glu2924Gly)

Gene: BRCA2 (BRCA2 DNA repair associated; plus strand). Cytogenetic location: 13q13.1.
Variant type: single nucleotide variant.
Coding change: c.8771A>G on transcript NM_000059.4 (MANE Select); coding-DNA position 8771, A replaced by G.
Protein change: p.Glu2924Gly; replaces glutamic acid 2924 with glycine.
Molecular consequence: missense variant.
Genome position (GRCh38, 1-based): chr13:32,379,333, A>G. VCF-style: chr13-32379333-A-G. GRCh37 (hg19) VCF-style: chr13-32953470-A-G.
Other names: short protein forms E2924G.
Identifiers: ClinVar variation 230922 (VCV000230922.20), dbSNP rs876658844, ClinGen allele CA10579798.

ClinVar aggregate classification (germline): Conflicting classifications of pathogenicity. Review status: criteria provided, conflicting classifications (1 of 4 stars). 6 submissions from 6 submitters: Uncertain significance (5); Likely benign (1). Last evaluated 2025-09-11.

Conditions:
Hereditary cancer-predisposing syndrome. Also called: Hereditary Cancer Syndrome; Neoplastic Syndromes, Hereditary; Tumor predisposition; Hereditary neoplastic syndrome. Identifiers: Orphanet 140162, MedGen C0027672, MeSH D009386, MONDO:0015356.
Breast-ovarian cancer, familial, susceptibility to, 2 (BROVCA2). Also called: BRCA2 Hereditary Breast and Ovarian Cancer. Identifiers: Orphanet 145, MedGen C2675520, MONDO:0012933, OMIM 612555. Disease mechanism: loss of function.
Hereditary breast ovarian cancer syndrome. Also called: Hereditary breast and/or ovarian cancer syndrome; BRCA1- and BRCA2-Associated Hereditary Breast and Ovarian Cancer; Hereditary breast and ovarian cancer syndrome (HBOC); Hereditary breast and ovarian cancer; Hereditary breast and ovarian cancer syndrome; Breast and ovarian cancer. Identifiers: Orphanet 145, MedGen C0677776, MeSH D061325, MONDO:0003582. Disease mechanism: loss of function.

Submissions (6):

Labcorp Genetics (formerly Invitae), Labcorp
Classification: Uncertain significance for Hereditary breast ovarian cancer syndrome. Last evaluated: 2025-09-11. Review status: criteria provided, single submitter. Criteria: Invitae Variant Classification Sherloc (09022015). Collection method: clinical testing. Allele origin: germline.
Comment: This sequence change replaces glutamic acid, which is acidic and polar, with glycine, which is neutral and non-polar, at codon 2924 of the BRCA2 protein (p.Glu2924Gly). This variant is not present in population databases (gnomAD no frequency). This missense change has been observed in individual(s) with ovarian cancer or a personal or family history of breast cancer (PMID: 22711857, 35980532). ClinVar contains an entry for this variant (Variation ID: 230922). Invitae Evidence Modeling of protein sequence and biophysical properties (such as structural, functional, and spatial information, amino acid conservation, physicochemical variation, residue mobility, and thermodynamic stability) indicates that this missense variant is not expected to disrupt BRCA2 protein function with a negative predictive value of 95%. In summary, the available evidence is currently insufficient to determine the role of this variant in disease. Therefore, it has been classified as a Variant of Uncertain Significance.

Ambry Genetics
Classification: Likely benign for Hereditary cancer-predisposing syndrome. Last evaluated: 2025-02-18. Review status: criteria provided, single submitter. Criteria: Ambry Variant Classification Scheme 2023. Collection method: clinical testing. Allele origin: germline.

All of Us Research Program, National Institutes of Health
Classification: Uncertain significance for Breast-ovarian cancer, familial, susceptibility to, 2. Last evaluated: 2023-09-17. Review status: criteria provided, single submitter. Criteria: ACMG Guidelines, 2015. Collection method: clinical testing. Allele origin: germline. Inheritance: Autosomal dominant inheritance. Observed: 1 variant allele, 1 heterozygote.
Comment: This missense variant replaces glutamic acid with glycine at codon 2924 of the BRCA2 protein. Computational prediction suggests that this variant may not impact protein structure and function (internally defined REVEL score threshold <= 0.5, PMID: 27666373). To our knowledge, functional studies have not been reported for this variant. This variant has been reported in an individual affected with ovarian cancer (PMID: 22711857) and in an individual with a personal or family history of breast cancer (PMID: 35980532). This variant has not been identified in the general population by the Genome Aggregation Database (gnomAD). The available evidence is insufficient to determine the role of this variant in disease conclusively. Therefore, this variant is classified as a Variant of Uncertain Significance.

This study involves interpretation of variants in research participants for the purpose of population health screening. Participant phenotype was not available at the time of variant classification. Additional details can be found in publication PMID: 35346344, PMCID: PMC8962531

Clinical Genetics Laboratory, Skane University Hospital Lund
Classification: Uncertain significance. Last evaluated: 2023-05-05. Review status: criteria provided, single submitter. Criteria: ACMG Guidelines, 2015. Collection method: clinical testing. Allele origin: germline. Affected: yes.

GeneDx
Classification: Uncertain significance. Last evaluated: 2022-03-28. Review status: criteria provided, single submitter. Criteria: GeneDx Variant Classification Process June 2021. Collection method: clinical testing. Allele origin: germline. Affected: yes.
Comment: Not observed at significant frequency in large population cohorts (gnomAD); In silico analysis supports that this missense variant does not alter protein structure/function; Observed in an individual with ovarian cancer (Alsop 2012); Also known as 8999A>G; This variant is associated with the following publications: (PMID: 12228710, 22711857)

Women's Health and Genetics/Laboratory Corporation of America, LabCorp
Classification: Uncertain significance. Last evaluated: 2021-10-08. Review status: criteria provided, single submitter. Criteria: LabCorp Variant Classification Summary - May 2015. Collection method: clinical testing. Allele origin: germline.
Comment: Variant summary: BRCA2 c.8771A>G (p.Glu2924Gly) results in a non-conservative amino acid change in the encoded protein sequence. Four of five in-silico tools predict a damaging effect of the variant on protein function. The variant was absent in 250670 control chromosomes. The available data on variant occurrences in the general population are insufficient to allow any conclusion about variant significance. c.8771A>G has been reported in at least one individual affected with nonmucinous ovarian carcinoma without strong evidence for causality (Alsop_2012). To our knowledge, no experimental evidence demonstrating an impact on protein function has been reported. Two clinical diagnostic laboratories have submitted clinical-significance assessments for this variant to ClinVar after 2014 and classified the variant as uncertain significance. Based on the evidence outlined above, the variant was classified as uncertain significance.

Literature cited by the submitters: PubMed 22711857 (cited by 4 submitters); PubMed 35980532 (cited by 3 submitters); PubMed 39779848 (cited by Ambry Genetics); PubMed 39779857 (cited by Ambry Genetics).